The following is an entry in ClinVar:

NM_001042432.2(CLN3):c.548G>A (p.Trp183Ter)

Gene: CLN3 (CLN3 lysosomal/endosomal transmembrane protein, battenin; minus strand). Cytogenetic location: 16p12.1.
Variant type: single nucleotide variant.
Coding change: c.548G>A on transcript NM_001042432.2 (MANE Select); coding-DNA position 548, G replaced by A.
Protein change: p.Trp183Ter; replaces tryptophan 183 with a stop codon.
Molecular consequence: nonsense.
Genome position (GRCh38, 1-based): chr16:28,486,476, C>T on the plus strand (G>A on the coding strand, the complement: CLN3 is on the minus strand). VCF-style: chr16-28486476-C-T. GRCh37 (hg19) VCF-style: chr16-28497797-C-T.
Other names: c.548G>A, p.Trp183Ter (NM_000086.2); c.476G>A, p.Trp159Ter (NM_001286104.2); c.248G>A, p.Trp83Ter (NM_001286105.2); c.314G>A, p.Trp105Ter (NM_001286109.2); c.386G>A, p.Trp129Ter (NM_001286110.2); short protein forms W105*, W83*, W183*, W129*, W159*.
Identifiers: ClinVar variation 3658291 (VCV003658291.2).
Genomic context (GRCh38, chr16:28,486,476, plus strand): 5'-GTGAGGCCCAGGTAGGACAGGGCCCCCAGCAGCCCAGCTCCCCCAGTCCCTGAGGACCAC[C>T]AGGAGATCACGGCCCTGGGAAGGAGAACACAGGAACATTCAGGAGGACCTAGGCTGACCA-3'

ClinVar aggregate classification (germline): Pathogenic (1 of 4 stars; one submission).

Conditions:
Neuronal ceroid lipofuscinosis. Also called: Neuronal Ceroid Lipofuscinoses. Identifiers: Orphanet 216, Orphanet 79263, MedGen C0027877, MONDO:0016295. Disease mechanism: loss of function.

gnomAD v4.1: 1 of 1,613,042 alleles (0.000062%); highest among the groups gnomAD compares: South Asian, 0.0011%; no homozygotes.

Submission:

Labcorp Genetics (formerly Invitae), Labcorp
Classification: Pathogenic for Neuronal ceroid lipofuscinosis. Last evaluated: 2024-03-02. Review status: criteria provided, single submitter. Criteria: Invitae Variant Classification Sherloc (09022015). Collection method: clinical testing. Allele origin: germline.
Comment: This sequence change creates a premature translational stop signal (p.Trp183*) in the CLN3 gene. It is expected to result in an absent or disrupted protein product. Loss-of-function variants in CLN3 are known to be pathogenic (PMID: 9311735, 28542676). This variant is not present in population databases (gnomAD no frequency). This variant has not been reported in the literature in individuals affected with CLN3-related conditions. For these reasons, this variant has been classified as Pathogenic.

Literature cited by the submitters: PubMed 9311735; PubMed 28542676.